The following is an entry in ClinVar:

ClinVar aggregate classification (germline): Uncertain significance (1 of 4 stars; one submission).

Submission:

GeneDx
Classification: Uncertain significance. Last evaluated: 2022-10-24. Review status: criteria provided, single submitter. Criteria: GeneDx Variant Classification Process June 2021. Collection method: clinical testing. Allele origin: germline. Affected: yes.
Comment: Not observed at significant frequency in large population cohorts (gnomAD); In silico analysis supports that this missense variant does not alter protein structure/function; Has not been previously published as pathogenic or benign to our knowledge

NM_057176.3(BSND):c.193G>A (p.Ala65Thr)

Gene: BSND (barttin CLCNK type accessory subunit beta; plus strand). Cytogenetic location: 1p32.3.
Variant type: single nucleotide variant.
Coding change: c.193G>A on transcript NM_057176.3 (MANE Select); coding-DNA position 193, G replaced by A.
Protein change: p.Ala65Thr; replaces alanine 65 with threonine.
Molecular consequence: missense variant.
Genome position (GRCh38, 1-based): chr1:55,005,037, G>A. VCF-style: chr1-55005037-G-A. GRCh37 (hg19) VCF-style: chr1-55470710-G-A.
Other names: short protein forms A65T.
Identifiers: ClinVar variation 2499807 (VCV002499807.1), dbSNP rs2523078926, ClinGen allele CA340471251.
Genomic context (GRCh38, chr1:55,005,037, plus strand): 5'-CTACCCTGGTCAACTGCACAGAGGCTGTCTCTCCTTTGCTTGCAGATCACCTTCGTCCCT[G>A]CTGACTCTGACTTTCAAGGCATCCTCTCCCCAAAGGCCATGGGCCTGCTGGAGAATGGGC-3'
Protein context (NP_476517.1, residues 55-75): QCYPKITFVP[Ala65Thr]DSDFQGILSP